The following is an entry in ClinVar:

NM_000352.6(ABCC8):c.1548C>T (p.Asn516=)

Gene: ABCC8 (ATP binding cassette subfamily C member 8; minus strand). Cytogenetic location: 11p15.1.
Variant type: single nucleotide variant.
Coding change: c.1548C>T on transcript NM_000352.6 (MANE Select); coding-DNA position 1548, C replaced by T.
Protein change: p.Asn516=; no amino-acid change (asparagine 516 retained).
Molecular consequence: synonymous variant. On other transcripts: non-coding transcript variant (1).
Genome position (GRCh38, 1-based): chr11:17,442,802, G>A on the plus strand (C>T on the coding strand, the complement: ABCC8 is on the minus strand). VCF-style: chr11-17442802-G-A. GRCh37 (hg19) VCF-style: chr11-17464349-G-A.
Other names: c.1548C>T, p.Asn516= (NM_001287174.3, NM_001351295.2); c.1545C>T, p.Asn515= (NM_001351296.2, NM_001351297.2).
Identifiers: ClinVar variation 795510 (VCV000795510.9), dbSNP rs776590557, ClinGen allele CA5903535.
Genomic context (GRCh38, chr11:17,442,802, plus strand): 5'-AAAGGCCCTGAGGCTGGTCATCTCCTTCCTGCGGGTCGTCTCCACCCGCGTGCGGAAGAT[G>A]TTCTCCCAGGCGTACAGCTTCAGCAGCTTGATGCCGCGGAGCATCTCGTTGGTCTGCTTC-3'
Protein context (NP_000343.2, residues 506-526): IKLLKLYAWE[Asn516=]IFRTRVETTR

ClinVar aggregate classification (germline): Conflicting classifications of pathogenicity. Review status: criteria provided, conflicting classifications (1 of 4 stars). 3 submissions from 2 submitters: Uncertain significance (2); Likely benign (1). Last evaluated 2024-03-29.

Conditions:
Transitory neonatal diabetes mellitus. Also called: Transient neonatal diabetes mellitus. Identifiers: MedGen C0342273, MONDO:0020525, HP:0008255.
Maturity-onset diabetes of the young (MODY). Also called: Maturity onset diabetes mellitus in young. Identifiers: Orphanet 552, MedGen C0342276, MONDO:0018911, HP:0004904.

Allele frequency attached by ClinVar (database versions not stated): gnomAD exomes below 0.00001; ExAC 0.00002.
gnomAD v4.1: 4 of 1,614,106 alleles (0.00025%); highest among the groups gnomAD compares: East Asian, 0.0022%; no homozygotes.

Submissions (3):

Labcorp Genetics (formerly Invitae), Labcorp
Classification: Likely benign. Last evaluated: 2024-03-29. Review status: criteria provided, single submitter. Criteria: Invitae Variant Classification Sherloc (09022015). Collection method: clinical testing. Allele origin: germline.

Clinical Genomics, Uppaluri K&H Personalized Medicine Clinic
Classification: Uncertain significance for Transitory neonatal diabetes mellitus. Review status: criteria provided, single submitter. Criteria: K & H Uppaluri Personalized Medicine Clinic Variant Classification & Assertion Criteria_Updated V.1. Collection method: research. Allele origin: unknown. Inheritance: Somatic mutation.
Comment: Mutations in ABCC8 gene are associated with both neonatal diabetes mellitus as well as MODY. Patients with this mutation may have a better response to sulfonylureas. However, no sufficient evidence is found to ascertain the role of this particular variant (rs776590557) in neonatal diabetes yet.

Clinical Genomics, Uppaluri K&H Personalized Medicine Clinic
Classification: Uncertain significance for Maturity-onset diabetes of the young. Review status: criteria provided, single submitter. Criteria: K & H Uppaluri Personalized Medicine Clinic Variant Classification & Assertion Criteria_Updated V.1. Collection method: research. Allele origin: unknown. Inheritance: Somatic mutation.
Comment: Mutations in ABCC8 gene are associated with both neonatal diabetes mellitus as well as MODY. Patients with this mutation may have a better response to sulfonylureas. However, no sufficient evidence is found to ascertain the role of this particular variant (rs776590557) in MODY yet.

Literature cited by the submitters: PubMed 16885549 (cited by Clinical Genomics, Uppaluri K&H Personalized Medicine Clinic); PubMed 21989597 (cited by Clinical Genomics, Uppaluri K&H Personalized Medicine Clinic); PubMed 27538677 (cited by Clinical Genomics, Uppaluri K&H Personalized Medicine Clinic); PubMed 18981553 (cited by Clinical Genomics, Uppaluri K&H Personalized Medicine Clinic); PubMed 32027066 (cited by Clinical Genomics, Uppaluri K&H Personalized Medicine Clinic); PubMed 16613899 (cited by Clinical Genomics, Uppaluri K&H Personalized Medicine Clinic); PubMed 18025408 (cited by Clinical Genomics, Uppaluri K&H Personalized Medicine Clinic); PubMed 32792356 (cited by Clinical Genomics, Uppaluri K&H Personalized Medicine Clinic).